The following is an entry in ClinVar:

ClinVar aggregate classification (germline): Likely benign. Review status: criteria provided, multiple submitters, no conflicts (2 of 4 stars). 3 submissions from 3 submitters: Likely benign (3). Last evaluated 2023-12-01.

Submissions (3):

Blueprint Genetics
Classification: Likely benign. Last evaluated: 2023-12-01. Review status: criteria provided, single submitter. Criteria: ACMG Guidelines, 2015. Collection method: clinical testing. Allele origin: germline.

Labcorp Genetics (formerly Invitae), Labcorp
Classification: Likely benign. Last evaluated: 2023-11-10. Review status: criteria provided, single submitter. Criteria: Invitae Variant Classification Sherloc (09022015). Collection method: clinical testing. Allele origin: germline.

GeneDx
Classification: Likely benign. Last evaluated: 2018-02-06. Review status: criteria provided, single submitter. Criteria: GeneDx Variant Classification (06012015). Collection method: clinical testing. Allele origin: germline. Affected: yes.
Comment: This variant is considered likely benign or benign based on one or more of the following criteria: it is a conservative change, it occurs at a poorly conserved position in the protein, it is predicted to be benign by multiple in silico algorithms, and/or has population frequency not consistent with disease.

NM_032119.4(ADGRV1):c.5214A>G (p.Glu1738=)

Gene: ADGRV1 (adhesion G protein-coupled receptor V1; plus strand). Cytogenetic location: 5q14.3.
Variant type: single nucleotide variant.
Coding change: c.5214A>G on transcript NM_032119.4 (MANE Select); coding-DNA position 5214, A replaced by G.
Protein change: p.Glu1738=; no amino-acid change (glutamic acid 1738 retained).
Molecular consequence: synonymous variant. On other transcripts: non-coding transcript variant (1).
Genome position (GRCh38, 1-based): chr5:90,675,346, A>G. VCF-style: chr5-90675346-A-G. GRCh37 (hg19) VCF-style: chr5-89971163-A-G.
Identifiers: ClinVar variation 515158 (VCV000515158.5), dbSNP rs1554079073, ClinGen allele CA445416177.